The following is an entry in ClinVar:

ClinVar aggregate classification (germline): Uncertain significance (1 of 4 stars; one submission).

Conditions:
COG5-congenital disorder of glycosylation. Also called: CDG IIi; CONGENITAL DISORDER OF GLYCOSYLATION, TYPE IIi; COG5-CDG. Identifiers: Orphanet 263487, MedGen C3150876, MONDO:0013325, OMIM 613612.

Allele frequency attached by ClinVar (database versions not stated): gnomAD 0.00001.
gnomAD v4.1: 2 of 1,613,840 alleles (0.00012%); highest among the groups gnomAD compares: African/African-American, 0.0013%; no homozygotes.

Submission:

Labcorp Genetics (formerly Invitae), Labcorp
Classification: Uncertain significance for COG5-congenital disorder of glycosylation. Last evaluated: 2022-01-16. Review status: criteria provided, single submitter. Criteria: Invitae Variant Classification Sherloc (09022015). Collection method: clinical testing. Allele origin: germline.
Comment: In summary, the available evidence is currently insufficient to determine the role of this variant in disease. Therefore, it has been classified as a Variant of Uncertain Significance. Algorithms developed to predict the effect of missense changes on protein structure and function (SIFT, PolyPhen-2, Align-GVGD) all suggest that this variant is likely to be tolerated. This variant has not been reported in the literature in individuals affected with COG5-related conditions. This variant is not present in population databases (gnomAD no frequency). This sequence change replaces alanine, which is neutral and non-polar, with serine, which is neutral and polar, at codon 96 of the COG5 protein (p.Ala96Ser).

NM_006348.5(COG5):c.193G>T (p.Ala65Ser)

Gene: COG5 (component of oligomeric golgi complex 5; minus strand). Cytogenetic location: 7q22.3.
Variant type: single nucleotide variant.
Coding change: c.193G>T on transcript NM_006348.5 (MANE Select); coding-DNA position 193, G replaced by T.
Protein change: p.Ala65Ser; replaces alanine 65 with serine.
Molecular consequence: missense variant.
Genome position (GRCh38, 1-based): chr7:107,558,017, C>A on the plus strand (G>T on the coding strand, the complement: COG5 is on the minus strand). VCF-style: chr7-107558017-C-A. GRCh37 (hg19) VCF-style: chr7-107198462-C-A.
Other names: c.193G>T, p.Ala65Ser (NM_001161520.2, NM_001379511.1, NM_001379512.1 and 5 more transcripts); short protein forms A65S.
Identifiers: ClinVar variation 2086497 (VCV002086497.4), dbSNP rs1803454640, ClinGen allele CA368823239.